The following is an entry in ClinVar:

ClinVar aggregate classification (germline): Likely benign. Review status: criteria provided, multiple submitters, no conflicts (2 of 4 stars). 4 submissions from 4 submitters: Likely benign (4). Last evaluated 2026-03-01.

Allele frequency attached by ClinVar (database versions not stated): gnomAD 0.00001; TOPMed 0.00001; gnomAD exomes 0.00002 and 0.00003; 1000 Genomes Project 30x 0.00016.
gnomAD v4.1: 49 of 1,539,944 alleles (0.0032%); highest among the groups gnomAD compares: Middle Eastern, 0.052%; no homozygotes.

Submissions (4):

CeGaT Center for Human Genetics Tuebingen
Classification: Likely benign. Last evaluated: 2026-03-01. Review status: criteria provided, single submitter. Criteria: CeGaT Center For Human Genetics Tuebingen Variant Classification Criteria Version 2. Collection method: clinical testing. Allele origin: germline. Affected: yes. Observed: 2 variant alleles.
Comment: NOTCH3: BP4, BP7

Labcorp Genetics (formerly Invitae), Labcorp
Classification: Likely benign. Last evaluated: 2025-10-26. Review status: criteria provided, single submitter. Criteria: Invitae Variant Classification Sherloc (09022015). Collection method: clinical testing. Allele origin: germline.

Athena Diagnostics
Classification: Likely benign. Last evaluated: 2025-07-24. Review status: criteria provided, single submitter. Criteria: Athena Diagnostics Criteria. Collection method: clinical testing. Allele origin: unknown.
Comment: Computational tools yielded predictions that this variant is unlikely to have an effect on normal RNA splicing. This nucleotide position exhibits low evolutionary conservation.

Blueprint Genetics
Classification: Likely benign. Last evaluated: 2022-02-16. Review status: criteria provided, single submitter. Criteria: ACMG Guidelines, 2015. Collection method: clinical testing. Allele origin: germline.

NM_000435.3(NOTCH3):c.6522G>C (p.Arg2174=)

Gene: NOTCH3 (notch receptor 3; minus strand). Cytogenetic location: 19p13.12.
Variant type: single nucleotide variant.
Coding change: c.6522G>C on transcript NM_000435.3 (MANE Select); coding-DNA position 6522, G replaced by C.
Protein change: p.Arg2174=; no amino-acid change (arginine 2174 retained).
Molecular consequence: synonymous variant.
Genome position (GRCh38, 1-based): chr19:15,161,106, C>G on the plus strand (G>C on the coding strand, the complement: NOTCH3 is on the minus strand). VCF-style: chr19-15161106-C-G. GRCh37 (hg19) VCF-style: chr19-15271917-C-G.
Identifiers: ClinVar variation 716561 (VCV000716561.17), dbSNP rs1280248640, ClinGen allele CA506076507.